The following is an entry in ClinVar:

ClinVar aggregate classification (germline): Uncertain significance. Review status: criteria provided, multiple submitters, no conflicts (2 of 4 stars). 2 submissions from 2 submitters: Uncertain significance (2). Last evaluated 2024-03-11.

Conditions:
Inborn genetic diseases. Identifiers: MedGen C0950123, MeSH D030342.

Allele frequency attached by ClinVar (database versions not stated): TOPMed 0.00002; gnomAD exomes 0.00004.
gnomAD v4.1: 56 of 1,614,086 alleles (0.0035%); highest among the groups gnomAD compares: East Asian, 0.0067%; no homozygotes.

Submissions (2):

Ambry Genetics
Classification: Uncertain significance for Inborn genetic diseases. Last evaluated: 2024-03-11. Review status: criteria provided, single submitter. Criteria: Ambry Variant Classification Scheme 2023. Collection method: clinical testing. Allele origin: germline.

Labcorp Genetics (formerly Invitae), Labcorp
Classification: Uncertain significance. Last evaluated: 2022-06-29. Review status: criteria provided, single submitter. Criteria: Invitae Variant Classification Sherloc (09022015). Collection method: clinical testing. Allele origin: germline.
Comment: This sequence change replaces arginine, which is basic and polar, with tryptophan, which is neutral and slightly polar, at codon 1958 of the MCM3AP protein (p.Arg1958Trp). This variant is present in population databases (no rsID available, gnomAD 0.006%). This variant has not been reported in the literature in individuals affected with MCM3AP-related conditions. Algorithms developed to predict the effect of missense changes on protein structure and function are either unavailable or do not agree on the potential impact of this missense change (SIFT: "Deleterious"; PolyPhen-2: "Benign"; Align-GVGD: "Class C0"). In summary, the available evidence is currently insufficient to determine the role of this variant in disease. Therefore, it has been classified as a Variant of Uncertain Significance.

NM_003906.5(MCM3AP):c.5872C>T (p.Arg1958Trp)

Genes: MCM3AP (minichromosome maintenance complex component 3 associated protein; minus strand), MCM3AP-AS1 (MCM3AP antisense RNA 1; plus strand). Cytogenetic location: 21q22.3.
Variant type: single nucleotide variant.
Coding change: c.5872C>T on transcript NM_003906.5 (MANE Select); coding-DNA position 5872, C replaced by T.
Protein change: p.Arg1958Trp; replaces arginine 1958 with tryptophan.
Molecular consequence: missense variant.
Genome position (GRCh38, 1-based): chr21:46,235,339, G>A on the plus strand (C>T on the coding strand, the complement: MCM3AP is on the minus strand). VCF-style: chr21-46235339-G-A. GRCh37 (hg19) VCF-style: chr21-47655253-G-A.
Other names: c.5872C>T (NM_003906.3); short protein forms R1958W.
Identifiers: ClinVar variation 1937804 (VCV001937804.3), dbSNP rs924304133, ClinGen allele CA321972912.